The following is an entry in ClinVar:

NM_001082486.2(ACD):c.-8C>T

Gene: ACD (ACD shelterin complex subunit and telomerase recruitment factor; minus strand). Cytogenetic location: 16q22.1.
Variant type: single nucleotide variant.
Coding change: c.-8C>T on transcript NM_001082486.2 (MANE Select); 8 bases upstream of the start codon, C replaced by T.
Molecular consequence: 5 prime UTR variant.
Genome position (GRCh38, 1-based): chr16:67,660,228, G>A on the plus strand (C>T on the coding strand, the complement: ACD is on the minus strand). VCF-style: chr16-67660228-G-A. GRCh37 (hg19) VCF-style: chr16-67694131-G-A.
Other names: c.-8C>T (NM_022914.3).
Identifiers: ClinVar variation 1428795 (VCV001428795.8), dbSNP rs766360608, ClinGen allele CA396359238.

ClinVar aggregate classification (germline): Uncertain significance (1 of 4 stars; one submission).

Conditions:
Dyskeratosis congenita, autosomal dominant 6 (DKCA6). Identifiers: Orphanet 3322, MedGen C4225284, MONDO:0014690, OMIM 616553.

Submission:

Labcorp Genetics (formerly Invitae), Labcorp
Classification: Uncertain significance for Dyskeratosis congenita, autosomal dominant 6. Last evaluated: 2022-10-11. Review status: criteria provided, single submitter. Criteria: Invitae Variant Classification Sherloc (09022015). Collection method: clinical testing. Allele origin: germline.
Comment: ClinVar contains an entry for this variant (Variation ID: 1428795). Algorithms developed to predict the effect of missense changes on protein structure and function output the following: SIFT: "Deleterious"; PolyPhen-2: "Benign"; Align-GVGD: "Class C0". The valine amino acid residue is found in multiple mammalian species, which suggests that this missense change does not adversely affect protein function. In summary, the available evidence is currently insufficient to determine the role of this variant in disease. Therefore, it has been classified as a Variant of Uncertain Significance. This sequence change replaces alanine, which is neutral and non-polar, with valine, which is neutral and non-polar, at codon 84 of the ACD protein (p.Ala84Val). This variant is not present in population databases (gnomAD no frequency). This variant has not been reported in the literature in individuals affected with ACD-related conditions.